The following is an entry in ClinVar:

NM_002691.4(POLD1):c.2565-9C>T

Gene: POLD1 (DNA polymerase delta 1, catalytic subunit; plus strand). Cytogenetic location: 19q13.33.
Variant type: single nucleotide variant.
Coding change: c.2565-9C>T on transcript NM_002691.4 (MANE Select); 9 bases into the intron before coding-DNA position 2565, C replaced by T.
Molecular consequence: intron variant.
Genome position (GRCh38, 1-based): chr19:50,415,429, C>T. VCF-style: chr19-50415429-C-T. GRCh37 (hg19) VCF-style: chr19-50918686-C-T.
Other names: c.2643-9C>T (LRG_785t2, NM_001308632.1); c.2565-9C>T (LRG_785t1, NM_001256849.1).
Identifiers: ClinVar variation 414787 (VCV000414787.18), dbSNP rs370970182, ClinGen allele CA9596588.
Genomic context (GRCh38, chr19:50,415,429, plus strand): 5'-AGACCCGTGGAGGCACCAGCCTGGCCCTCAGTGCCTTTTGGTGACGCTGTGCGGCCCGCT[C>T]TCCTACAGAGACCCTGAGGGCGCGGTGGCTCACGCACAGGACGTCATCTCGGACCTGCTG-3'

ClinVar aggregate classification (germline): Likely benign. Review status: criteria provided, multiple submitters, no conflicts (2 of 4 stars). 5 submissions from 5 submitters: Likely benign (4). 1 of the submissions does not count toward it. Last evaluated 2026-02-03.

Conditions:
POLD1-related polyposis and colorectal cancer syndrome (CRCS10). Also called: Colorectal cancer, susceptibility to, 10; Colorectal cancer 10; COLORECTAL CANCER, SUSCEPTIBILITY TO, ON CHROMOSOME 19q. Identifiers: Orphanet 220460, MedGen C2675481, MONDO:0012953, OMIM 612591.
POLD1-related disorder. Also called: POLD1-related disorders; POLD1-related condition.

Allele frequency attached by ClinVar (database versions not stated): ExAC 0.00004; ESP Exome Variant Server 0.00008; TOPMed 0.00008; gnomAD 0.00009.
gnomAD v4.1: 114 of 1,610,776 alleles (0.0071%); highest among the groups gnomAD compares: African/African-American, 0.0093%; no homozygotes.

Submissions (5):

Labcorp Genetics (formerly Invitae), Labcorp
Classification: Likely benign for POLD1-related polyposis and colorectal cancer syndrome. Last evaluated: 2026-02-03. Review status: criteria provided, single submitter. Criteria: Invitae Variant Classification Sherloc (09022015). Collection method: clinical testing. Allele origin: germline.

Women's Health and Genetics/Laboratory Corporation of America, LabCorp
Classification: Likely benign. Last evaluated: 2024-10-11. Review status: criteria provided, single submitter. Criteria: LabCorp Variant Classification Summary - May 2015. Collection method: clinical testing. Allele origin: germline.
Comment: Variant summary: POLD1 c.2565-9C>T alters a non-conserved nucleotide located at a position not widely known to affect splicing. Consensus agreement among computation tools predict no significant impact on normal splicing. However, these predictions have yet to be confirmed by functional studies. The variant allele was found at a frequency of 4.4e-05 in 247236 control chromosomes, predominantly at a frequency of 0.00019 within the African or African-American subpopulation in the gnomAD database. The available data on variant occurrences in the general population are insufficient to allow any conclusion about variant significance. To our knowledge, no occurrence of c.2565-9C>T in individuals affected with Mandibular Hypoplasia, Deafness, Progeroid Features, And Lipodystrophy Syndrome and no experimental evidence demonstrating its impact on protein function have been reported. ClinVar contains an entry for this variant (Variation ID: 414787). Based on the evidence outlined above, the variant was classified as likely benign.

Blueprint Genetics
Classification: Likely benign. Last evaluated: 2024-07-30. Review status: criteria provided, single submitter. Criteria: ACMG Guidelines, 2015. Collection method: clinical testing. Allele origin: germline.

GeneDx
Classification: Likely benign. Last evaluated: 2020-06-01. Review status: criteria provided, single submitter. Criteria: GeneDx Variant Classification Process June 2021. Collection method: clinical testing. Allele origin: germline. Affected: yes.

PreventionGenetics, part of Exact Sciences
Classification: Likely benign for POLD1-related condition. Last evaluated: 2019-07-11. Review status: no assertion criteria provided. Collection method: clinical testing. Allele origin: germline. Not counted in ClinVar's aggregate classification.
Comment: This variant is classified as likely benign based on ACMG/AMP sequence variant interpretation guidelines (Richards et al. 2015 PMID: 25741868, with internal and published modifications).